The following is an entry in ClinVar:

ClinVar aggregate classification (germline): Uncertain significance (1 of 4 stars; one submission).

Conditions:
Atrial fibrillation, familial, 6 (ATFB6). Identifiers: MedGen C2677294, MONDO:0012816, OMIM 612201.

Allele frequency attached by ClinVar (database versions not stated): gnomAD exomes below 0.00001; gnomAD 0.00001; TOPMed 0.00001.
gnomAD v4.1: 11 of 1,613,982 alleles (0.00068%); highest among the groups gnomAD compares: East Asian, 0.0045%; no homozygotes.

Submission:

Labcorp Genetics (formerly Invitae), Labcorp
Classification: Uncertain significance for Atrial fibrillation, familial, 6. Last evaluated: 2026-01-25. Review status: criteria provided, single submitter. Criteria: Invitae Variant Classification Sherloc (09022015). Collection method: clinical testing. Allele origin: germline.
Comment: This sequence change replaces aspartic acid, which is acidic and polar, with glutamic acid, which is acidic and polar, at codon 55 of the NPPA protein (p.Asp55Glu). This variant is present in population databases (no rsID available, gnomAD 0.06%). This variant has not been reported in the literature in individuals affected with NPPA-related conditions. ClinVar contains an entry for this variant (Variation ID: 2042222). An algorithm developed to predict the effect of missense changes on protein structure and function outputs the following: PolyPhen-2: "Benign". The glutamic acid amino acid residue is found in multiple mammalian species, which suggests that this missense change does not adversely affect protein function. In summary, the available evidence is currently insufficient to determine the role of this variant in disease. Therefore, it has been classified as a Variant of Uncertain Significance.

NM_006172.4(NPPA):c.165T>G (p.Asp55Glu)

Genes: NPPA (natriuretic peptide A; minus strand), NPPA-AS1 (NPPA antisense RNA 1; plus strand), LOC114827827 (VISTA enhancer hs2123; plus strand). Cytogenetic location: 1p36.22.
Variant type: single nucleotide variant.
Coding change: c.165T>G on transcript NM_006172.4 (MANE Select); coding-DNA position 165, T replaced by G.
Protein change: p.Asp55Glu; replaces aspartic acid 55 with glutamic acid.
Molecular consequence: missense variant.
Genome position (GRCh38, 1-based): chr1:11,847,398, A>C on the plus strand (T>G on the coding strand, the complement: NPPA is on the minus strand). VCF-style: chr1-11847398-A-C. GRCh37 (hg19) VCF-style: chr1-11907455-A-C.
Other names: short protein forms D55E.
Identifiers: ClinVar variation 2042222 (VCV002042222.4), dbSNP rs941150669, ClinGen allele CA18010812.